The following is an entry in ClinVar:

NM_001378454.1(ALMS1):c.7139A>G (p.Gln2380Arg)

Gene: ALMS1 (ALMS1 centrosome and basal body associated protein; plus strand). Cytogenetic location: 2p13.1.
Variant type: single nucleotide variant.
Coding change: c.7139A>G on transcript NM_001378454.1 (MANE Select); coding-DNA position 7139, A replaced by G.
Protein change: p.Gln2380Arg; replaces glutamine 2380 with arginine.
Molecular consequence: missense variant.
Genome position (GRCh38, 1-based): chr2:73,453,666, A>G. VCF-style: chr2-73453666-A-G. GRCh37 (hg19) VCF-style: chr2-73680793-A-G.
Other names: c.7142A>G, p.Gln2381Arg (NM_015120.4); short protein forms Q2380R, Q2381R.
Identifiers: ClinVar variation 4985735 (VCV004985735.1).

ClinVar aggregate classification (germline): Uncertain significance (1 of 4 stars; one submission).

Conditions:
ALMS1-related disorder. Also called: ALMS1-related condition.

Submission:

PreventionGenetics, part of Exact Sciences
Classification: Uncertain significance for ALMS1-related condition. Last evaluated: 2026-09-09. Review status: criteria provided, single submitter. Criteria: ACMG Guidelines, 2015. Collection method: clinical testing. Allele origin: germline.
Comment: The ALMS1 c.7142A>G variant is predicted to result in the amino acid substitution p.Gln2381Arg. To our knowledge, this variant has not been reported in the literature. This variant is reported in 0.0018% of alleles in individuals of European (Non-Finnish) descent in gnomAD. At this time, the clinical significance of this variant is uncertain due to the absence of conclusive functional and genetic evidence.